The following is an entry in ClinVar:

ClinVar aggregate classification (germline): Uncertain significance (1 of 4 stars; one submission).

Submission:

GeneDx
Classification: Uncertain significance. Last evaluated: 2022-02-04. Review status: criteria provided, single submitter. Criteria: GeneDx Variant Classification Process June 2021. Collection method: clinical testing. Allele origin: germline. Affected: yes.
Comment: Not observed at significant frequency in large population cohorts (gnomAD); In silico analysis supports that this missense variant has a deleterious effect on protein structure/function; Has not been previously published as pathogenic or benign to our knowledge; This variant is associated with the following publications: (PMID: 21139634, 26094131)

NM_014946.4(SPAST):c.1061T>C (p.Leu354Ser)

Gene: SPAST (spastin; plus strand). Cytogenetic location: 2p22.3.
Variant type: single nucleotide variant.
Coding change: c.1061T>C on transcript NM_014946.4 (MANE Select); coding-DNA position 1061, T replaced by C.
Protein change: p.Leu354Ser; replaces leucine 354 with serine.
Molecular consequence: missense variant.
Genome position (GRCh38, 1-based): chr2:32,116,175, T>C. VCF-style: chr2-32116175-T-C. GRCh37 (hg19) VCF-style: chr2-32341244-T-C.
Other names: c.1058T>C, p.Leu353Ser (NM_001363823.2); c.962T>C, p.Leu321Ser (NM_001363875.2); c.965T>C, p.Leu322Ser (NM_001377959.1, NM_199436.2); short protein forms L321S, L322S, L353S, L354S.
Identifiers: ClinVar variation 1700548 (VCV001700548.2), dbSNP rs1553315342, ClinGen allele CA346499752.